The following is an entry in ClinVar:

NM_001267550.2(TTN):c.56885G>A (p.Arg18962Gln)

Genes: TTN (titin; minus strand), TTN-AS1 (TTN antisense RNA 1; plus strand). Cytogenetic location: 2q31.2.
Variant type: single nucleotide variant.
Coding change: c.56885G>A on transcript NM_001267550.2 (MANE Select); coding-DNA position 56885, G replaced by A.
Protein change: p.Arg18962Gln; replaces arginine 18962 with glutamine.
Molecular consequence: missense variant.
Genome position (GRCh38, 1-based): chr2:178,598,825, C>T on the plus strand (G>A on the coding strand, the complement: TTN is on the minus strand). VCF-style: chr2-178598825-C-T. GRCh37 (hg19) VCF-style: chr2-179463552-C-T.
Other names: c.51962G>A, p.Arg17321Gln (NM_001256850.1); c.29690G>A, p.Arg9897Gln (NM_003319.4); c.49181G>A, p.Arg16394Gln (NM_133378.4); c.30065G>A, p.Arg10022Gln (NM_133432.3); c.30266G>A, p.Arg10089Gln (NM_133437.4); short protein forms R10022Q, R10089Q, R16394Q, R17321Q, R18962Q, R9897Q.
Identifiers: ClinVar variation 4887872 (VCV004887872.2).
Genomic context (GRCh38, chr2:178,598,825, plus strand): 5'-GTCGCTGGGTCTGATGGCAGACTTGCTGGACCCACGCCAGCAGCATTGATTGCATATACC[C>T]GGAATTGATAGTCGGAACCTTCAATAAGACCAGTCACTTTATAAGAAACACCCAAAGTCA-3'
Protein context (NP_001254479.2, residues 18952-18972): GLIEGSDYQF[Arg18962Gln]VYAINAAGVG

ClinVar aggregate classification (germline): Uncertain significance. Review status: criteria provided, multiple submitters, no conflicts (2 of 4 stars). 2 submissions from 2 submitters: Uncertain significance (2). Last evaluated 2026-02-23.

Conditions:
TTN-related disorder. Also called: TTN-related condition; TTN-related disease; TTN-related disorders.

gnomAD v4.1: 34 of 1,613,324 alleles (0.0021%); highest among the groups gnomAD compares: African/African-American, 0.0067%; no homozygotes.

Submissions (2):

GeneDx
Classification: Uncertain significance. Last evaluated: 2026-02-23. Review status: criteria provided, single submitter. Criteria: GeneDx Variant Classification Process June 2021. Collection method: clinical testing. Allele origin: germline.
Comment: Not observed at significant frequency in large population cohorts (gnomAD); Missense variant in a gene in which most reported pathogenic variants are truncating/loss of function; In silico analysis suggests this variant may impact gene splicing; in the absence of RNA/functional studies, the actual effect of this sequence change is unknown; Has not been previously published as pathogenic or benign to our knowledge

PreventionGenetics, part of Exact Sciences
Classification: Uncertain significance for TTN-related condition. Last evaluated: 2025-10-29. Review status: criteria provided, single submitter. Criteria: ACMG Guidelines, 2015. Collection method: clinical testing. Allele origin: germline.
Comment: The TTN c.56885G>A variant is predicted to result in the amino acid substitution p.Arg18962Gln. To our knowledge, this variant has not been reported in the literature. This variant is reported in 0.019% of alleles in individuals of African descent in gnomAD. At this time, the clinical significance of this variant is uncertain due to the absence of conclusive functional and genetic evidence.